The following is an entry in ClinVar:

ClinVar aggregate classification (germline): Uncertain significance (1 of 4 stars; one submission).

Submission:

Labcorp Genetics (formerly Invitae), Labcorp
Classification: Uncertain significance. Last evaluated: 2025-11-19. Review status: criteria provided, single submitter. Criteria: Invitae Variant Classification Sherloc (09022015). Collection method: clinical testing. Allele origin: germline.
Comment: This sequence change replaces histidine, which is basic and polar, with tyrosine, which is neutral and polar, at codon 173 of the MYLK3 protein (p.His173Tyr). This variant is not present in population databases (gnomAD no frequency). This variant has not been reported in the literature in individuals affected with MYLK3-related conditions. ClinVar contains an entry for this variant (Variation ID: 2023971). An algorithm developed to predict the effect of missense changes on protein structure and function (PolyPhen-2) suggests that this variant is likely to be tolerated. In summary, the available evidence is currently insufficient to determine the role of this variant in disease. Therefore, it has been classified as a Variant of Uncertain Significance.

NM_182493.3(MYLK3):c.517C>T (p.His173Tyr)

Gene: MYLK3 (myosin light chain kinase 3; minus strand). Cytogenetic location: 16q11.2.
Variant type: single nucleotide variant.
Coding change: c.517C>T on transcript NM_182493.3 (MANE Select); coding-DNA position 517, C replaced by T.
Protein change: p.His173Tyr; replaces histidine 173 with tyrosine.
Molecular consequence: missense variant. On other transcripts: 5 prime UTR variant (1).
Genome position (GRCh38, 1-based): chr16:46,740,108, G>A on the plus strand (C>T on the coding strand, the complement: MYLK3 is on the minus strand). VCF-style: chr16-46740108-G-A. GRCh37 (hg19) VCF-style: chr16-46774020-G-A.
Other names: c.-74C>T (NM_001308301.1); short protein forms H173Y.
Identifiers: ClinVar variation 2023971 (VCV002023971.4), dbSNP rs767585675, ClinGen allele CA395795983.